The following is an entry in ClinVar:

ClinVar aggregate classification (germline): Uncertain significance. Review status: criteria provided, multiple submitters, no conflicts (2 of 4 stars). 2 submissions from 2 submitters: Uncertain significance (2). Last evaluated 2024-09-12.

Conditions:
Long QT syndrome (LQTS). Identifiers: MedGen C0023976, MeSH D008133, MONDO:0002442. Disease mechanism: loss of function. Inheritance: Various modes of inheritance.
Cardiovascular phenotype. Identifiers: MedGen CN230736.

Allele frequency attached by ClinVar (database versions not stated): gnomAD 0.00001; gnomAD exomes 0.00001; ExAC 0.00002; TOPMed 0.00002.
gnomAD v4.1: 13 of 1,613,738 alleles (0.00081%); highest among the groups gnomAD compares: African/African-American, 0.0027%; no homozygotes.

Submissions (2):

Labcorp Genetics (formerly Invitae), Labcorp
Classification: Uncertain significance for Long QT syndrome. Last evaluated: 2024-09-12. Review status: criteria provided, single submitter. Criteria: Invitae Variant Classification Sherloc (09022015). Collection method: clinical testing. Allele origin: germline.
Comment: This sequence change replaces valine, which is neutral and non-polar, with isoleucine, which is neutral and non-polar, at codon 220 of the ANK2 protein (p.Val220Ile). This variant is present in population databases (rs764633047, gnomAD 0.004%). This variant has not been reported in the literature in individuals affected with ANK2-related conditions. ClinVar contains an entry for this variant (Variation ID: 575681). Invitae Evidence Modeling of protein sequence and biophysical properties (such as structural, functional, and spatial information, amino acid conservation, physicochemical variation, residue mobility, and thermodynamic stability) indicates that this missense variant is not expected to disrupt ANK2 protein function with a negative predictive value of 80%. In summary, the available evidence is currently insufficient to determine the role of this variant in disease. Therefore, it has been classified as a Variant of Uncertain Significance.

Ambry Genetics
Classification: Uncertain significance for Cardiovascular phenotype. Last evaluated: 2023-06-22. Review status: criteria provided, single submitter. Criteria: Ambry Variant Classification Scheme 2023. Collection method: clinical testing. Allele origin: germline.
Comment: The p.V220I variant (also known as c.658G>A), located in coding exon 6 of the ANK2 gene, results from a G to A substitution at nucleotide position 658. The valine at codon 220 is replaced by isoleucine, an amino acid with highly similar properties. This amino acid position is highly conserved in available vertebrate species. In addition, this alteration is predicted to be tolerated by in silico analysis. Since supporting evidence is limited at this time, the clinical significance of this alteration remains unclear.

NM_001148.6(ANK2):c.658G>A (p.Val220Ile)

Gene: ANK2 (ankyrin 2; plus strand). Cytogenetic location: 4q26.
Variant type: single nucleotide variant.
Coding change: c.658G>A on transcript NM_001148.6 (MANE Select); coding-DNA position 658, G replaced by A.
Protein change: p.Val220Ile; replaces valine 220 with isoleucine.
Molecular consequence: missense variant.
Genome position (GRCh38, 1-based): chr4:113,237,161, G>A. VCF-style: chr4-113237161-G-A. GRCh37 (hg19) VCF-style: chr4-114158317-G-A.
Other names: c.595G>A, p.Val199Ile (NM_001127493.3, NM_001354239.2, NM_001354243.2 and 33 more transcripts); c.658G>A, p.Val220Ile (NM_001354225.2, NM_001354228.2, NM_001354232.2 and 9 more transcripts); c.703G>A, p.Val235Ile (NM_001354230.2, NM_001354231.2, NM_001354237.2 and 5 more transcripts); c.640G>A, p.Val214Ile (NM_001354261.2, NM_001386147.1, NM_001386160.1); c.646G>A, p.Val216Ile (NM_001354269.3, NM_001386148.2, NM_001386186.2 and 1 more transcripts); c.709G>A, p.Val237Ile (NM_001386174.1, NM_001386175.1); short protein forms V199I, V220I, V214I, V216I, V235I, V237I.
Identifiers: ClinVar variation 575681 (VCV000575681.9), dbSNP rs764633047, ClinGen allele CA3050061.
Genomic context (GRCh38, chr4:113,237,161, plus strand): 5'-GCTAGGAAAGACGACACCAAATCTGCCGCACTTCTGCTTCAGAATGACCACAATGCTGAC[G>A]TACAATCCAAGGTACTTAAAGCTGAACACATTTGTGGAAAGGAACTCTTTGGCTGCCAGA-3'
Protein context (NP_001139.3, residues 210-230): LLLQNDHNAD[Val220Ile]QSKMMVNRTT